The following is an entry in ClinVar:

ClinVar aggregate classification (germline): Pathogenic. Review status: criteria provided, single submitter (1 of 4 stars). 3 submissions from 3 submitters: Pathogenic (1). 2 of the submissions do not count toward it. Last evaluated 2022-02-10.

Conditions:
IMAGe syndrome. Also called: Intrauterine Growth Restriction, Metaphyseal Dysplasia, Adrenal Hypoplasia Congenita, and Genital Anomalies; Intrauterine growth retardation, metaphyseal dysplasia, adrenal hypoplasia congenita, and genital anomalies. Identifiers: Orphanet 85173, MedGen C1846009, MONDO:0013873, OMIM 614732.
Silver-Russell syndrome 1 (SRS1). Also called: Chromosome 7-Related Russell-Silver Syndrome. Identifiers: Orphanet 813, MedGen C5393125, MONDO:0020796, OMIM 180860.
Beckwith-Wiedemann syndrome (BWS). Also called: Exomphalos macroglossia gigantism syndrome; EMG SYNDROME. Identifiers: Orphanet 116, MedGen C0004903, MONDO:0007534, OMIM 130650.

Submissions (3):

Labcorp Genetics (formerly Invitae), Labcorp
Classification: Pathogenic for Beckwith-Wiedemann syndrome. Last evaluated: 2022-02-10. Review status: criteria provided, single submitter. Criteria: Invitae Variant Classification Sherloc (09022015). Collection method: clinical testing. Allele origin: germline.
Comment: This sequence change replaces arginine, which is basic and polar, with leucine, which is neutral and non-polar, at codon 279 of the CDKN1C protein (p.Arg279Leu). For these reasons, this variant has been classified as Pathogenic. Algorithms developed to predict the effect of missense changes on protein structure and function are either unavailable or do not agree on the potential impact of this missense change (SIFT: "Deleterious"; PolyPhen-2: "Not Available"; Align-GVGD: "Class C0"). ClinVar contains an entry for this variant (Variation ID: 192361). This missense change has been observed in individual(s) with clinical features of Russell-Silver syndrome (PMID: 24065356, 31976094). It has also been observed to segregate with disease in related individuals. This variant is not present in population databases (gnomAD no frequency).

Centre de Recherche Saint Antoine,  Université Pierre et Marie Curie
No classification provided. Condition: Russell-Silver syndrome. Review status: no classification provided. Collection method: not provided. Allele origin: germline. Not counted in ClinVar's aggregate classification.

GeneReviews
No classification provided. Condition: IMAGe syndrome. Review status: no classification provided. Collection method: literature only. Allele origin: germline. Not counted in ClinVar's aggregate classification.
Comment: Associated with Silver-Russell syndrome

Literature cited by the submitters: PubMed 24065356 (cited by Labcorp Genetics (formerly Invitae), Labcorp); PubMed 31976094 (cited by Labcorp Genetics (formerly Invitae), Labcorp); PubMed 33076988 (cited by GeneReviews); PubMed 24624461 (cited by GeneReviews).

NM_001122630.2(CDKN1C):c.803G>T (p.Arg268Leu)

Gene: CDKN1C (cyclin dependent kinase inhibitor 1C; minus strand). Cytogenetic location: 11p15.4.
Variant type: single nucleotide variant.
Coding change: c.803G>T on transcript NM_001122630.2 (MANE Select); coding-DNA position 803, G replaced by T.
Protein change: p.Arg268Leu; replaces arginine 268 with leucine.
Molecular consequence: missense variant.
Genome position (GRCh38, 1-based): chr11:2,884,119, C>A on the plus strand (G>T on the coding strand, the complement: CDKN1C is on the minus strand). VCF-style: chr11-2884119-C-A. GRCh37 (hg19) VCF-style: chr11-2905349-C-A.
Other names: c.836G>T, p.Arg279Leu (NM_000076.2, NM_001362474.2); c.803G>T, p.Arg268Leu (NM_001122631.2); c.271G>T, p.Ala91Ser (NM_001362475.2); short protein forms R279L, A91S, R268L.
Identifiers: ClinVar variation 192361 (VCV000192361.8), dbSNP rs318240750, ClinGen allele CA274888.
Genomic context (GRCh38, chr11:2,884,119, plus strand): 5'-CTTGGAGAGGGACACGGCGCGGGGACATCGCCCGACGACTTCTCAGGCGCTGATCTCTTG[C>A]GCTTGGCGAAGAAATCTGCGGGCGACAGCGCGCGCGGCCGGTCAGGGCGGGGCCGGCCCG-3'
Protein context (NP_001116102.1, residues 258-278): GPLISDFFAK[Arg268Leu]KRSAPEKSSG